The following is an entry in ClinVar:

NM_000755.5(CRAT):c.316G>A (p.Ala106Thr)

Gene: CRAT (carnitine O-acetyltransferase; minus strand). Cytogenetic location: 9q34.11.
Variant type: single nucleotide variant.
Coding change: c.316G>A on transcript NM_000755.5 (MANE Select); coding-DNA position 316, G replaced by A.
Protein change: p.Ala106Thr; replaces alanine 106 with threonine.
Molecular consequence: missense variant.
Genome position (GRCh38, 1-based): chr9:129,104,282, C>T on the plus strand (G>A on the coding strand, the complement: CRAT is on the minus strand). VCF-style: chr9-129104282-C-T. GRCh37 (hg19) VCF-style: chr9-131866561-C-T.
Other names: c.253G>A, p.Ala85Thr (NM_001257363.3, NM_001346548.2, NM_004003.4); c.319G>A, p.Ala107Thr (NM_001346546.2); c.316G>A, p.Ala106Thr (NM_001346547.2); c.196G>A, p.Ala66Thr (NM_001346549.2); short protein forms A85T, A106T, A107T, A66T.
Identifiers: ClinVar variation 4692141 (VCV004692141.1).

ClinVar aggregate classification (germline): Uncertain significance (1 of 4 stars; one submission).

gnomAD v4.1: 15 of 1,613,172 alleles (0.00093%); highest among the groups gnomAD compares: East Asian, 0.0067%; no homozygotes.

Submission:

Labcorp Genetics (formerly Invitae), Labcorp
Classification: Uncertain significance. Last evaluated: 2025-08-17. Review status: criteria provided, single submitter. Criteria: Invitae Variant Classification Sherloc (09022015). Collection method: clinical testing. Allele origin: germline.
Comment: This sequence change replaces alanine, which is neutral and non-polar, with threonine, which is neutral and polar, at codon 106 of the CRAT protein (p.Ala106Thr). This variant is present in population databases (rs762680274, gnomAD 0.01%). This variant has not been reported in the literature in individuals affected with CRAT-related conditions. Invitae Evidence Modeling of protein sequence and biophysical properties (such as structural, functional, and spatial information, amino acid conservation, physicochemical variation, residue mobility, and thermodynamic stability) indicates that this missense variant is not expected to disrupt CRAT protein function with a negative predictive value of 80%. In summary, the available evidence is currently insufficient to determine the role of this variant in disease. Therefore, it has been classified as a Variant of Uncertain Significance.